The following is an entry in ClinVar:

NM_032634.4(PIGO):c.1079C>A (p.Ala360Asp)

Gene: PIGO (phosphatidylinositol glycan anchor biosynthesis class O; minus strand). Cytogenetic location: 9p13.3.
Variant type: single nucleotide variant.
Coding change: c.1079C>A on transcript NM_032634.4 (MANE Select); coding-DNA position 1079, C replaced by A.
Protein change: p.Ala360Asp; replaces alanine 360 with aspartic acid.
Molecular consequence: missense variant.
Genome position (GRCh38, 1-based): chr9:35,093,070, G>T on the plus strand (C>A on the coding strand, the complement: PIGO is on the minus strand). VCF-style: chr9-35093070-G-T. GRCh37 (hg19) VCF-style: chr9-35093067-G-T.
Other names: c.1079C>A, p.Ala360Asp (NM_001201484.2, NM_152850.4); short protein forms A360D.
Identifiers: ClinVar variation 2003094 (VCV002003094.4), dbSNP rs2490460570, ClinGen allele CA373322866.

ClinVar aggregate classification (germline): Uncertain significance (1 of 4 stars; one submission).

Conditions:
Hyperphosphatasia with impaired intellectual development syndrome 2. Also called: GLYCOSYLPHOSPHATIDYLINOSITOL BIOSYNTHESIS DEFECT 6; Hyperphosphatasia with intellectual disability syndrome 2. Identifiers: Orphanet 247262, MedGen C3553637, MONDO:0013882, OMIM 614749.

Submission:

Labcorp Genetics (formerly Invitae), Labcorp
Classification: Uncertain significance for Hyperphosphatasia with impaired intellectual development syndrome 2. Last evaluated: 2022-06-07. Review status: criteria provided, single submitter. Criteria: Invitae Variant Classification Sherloc (09022015). Collection method: clinical testing. Allele origin: germline.
Comment: This sequence change replaces alanine, which is neutral and non-polar, with aspartic acid, which is acidic and polar, at codon 360 of the PIGO protein (p.Ala360Asp). This variant is not present in population databases (gnomAD no frequency). This variant has not been reported in the literature in individuals affected with PIGO-related conditions. Algorithms developed to predict the effect of missense changes on protein structure and function (SIFT, PolyPhen-2, Align-GVGD) all suggest that this variant is likely to be tolerated. In summary, the available evidence is currently insufficient to determine the role of this variant in disease. Therefore, it has been classified as a Variant of Uncertain Significance.